The following is an entry in ClinVar:

ClinVar aggregate classification (germline): Uncertain significance (1 of 4 stars; one submission).

Submission:

Labcorp Genetics (formerly Invitae), Labcorp
Classification: Uncertain significance. Last evaluated: 2024-04-12. Review status: criteria provided, single submitter. Criteria: Invitae Variant Classification Sherloc (09022015). Collection method: clinical testing. Allele origin: germline.
Comment: This sequence change replaces cysteine, which is neutral and slightly polar, with arginine, which is basic and polar, at codon 17 of the ZMIZ1 protein (p.Cys17Arg). This variant is not present in population databases (gnomAD no frequency). This variant has not been reported in the literature in individuals affected with ZMIZ1-related conditions. An algorithm developed to predict the effect of missense changes on protein structure and function (PolyPhen-2) suggests that this variant is likely to be disruptive. In summary, the available evidence is currently insufficient to determine the role of this variant in disease. Therefore, it has been classified as a Variant of Uncertain Significance.

NM_020338.4(ZMIZ1):c.49T>C (p.Cys17Arg)

Gene: ZMIZ1 (zinc finger MIZ-type containing 1; plus strand). Cytogenetic location: 10q22.3.
Variant type: single nucleotide variant.
Coding change: c.49T>C on transcript NM_020338.4 (MANE Select); coding-DNA position 49, T replaced by C.
Protein change: p.Cys17Arg; replaces cysteine 17 with arginine.
Molecular consequence: missense variant.
Genome position (GRCh38, 1-based): chr10:79,201,681, T>C. VCF-style: chr10-79201681-T-C. GRCh37 (hg19) VCF-style: chr10-80961438-T-C.
Other names: short protein forms C17R.
Identifiers: ClinVar variation 3640219 (VCV003640219.2).